The following is an entry in ClinVar:

NM_000353.3(TAT):c.707-2A>G

Genes: TAT (tyrosine aminotransferase; minus strand), TAT-AS1 (TAT antisense RNA 1; plus strand). Cytogenetic location: 16q22.2.
Variant type: single nucleotide variant.
Coding change: c.707-2A>G on transcript NM_000353.3 (MANE Select); the canonical splice acceptor site of the intron before coding-DNA position 707, A replaced by G.
Molecular consequence: splice acceptor variant.
Genome position (GRCh38, 1-based): chr16:71,571,660, T>C on the plus strand (A>G on the coding strand, the complement: TAT is on the minus strand). VCF-style: chr16-71571660-T-C. GRCh37 (hg19) VCF-style: chr16-71605563-T-C.
Identifiers: ClinVar variation 1474620 (VCV001474620.9), dbSNP rs1005382525, ClinGen allele CA283579609.
Genomic context (GRCh38, chr16:71,571,660, plus strand): 5'-ACTCACCATGTCTCCATAGATCTCATCAGCTAAGATGGGGACACACTGCCGTGCAGCCAC[T>C]GAAAATAAAACATGCTGAAATCAGTTTTAATGTGAATTGCTTTATCATGTAATAGTCACA-3'

ClinVar aggregate classification (germline): Pathogenic/Likely pathogenic. Review status: criteria provided, multiple submitters, no conflicts (2 of 4 stars). 4 submissions from 4 submitters: Pathogenic (1); Likely pathogenic (3). Last evaluated 2024-01-04.

Conditions:
Tyrosinemia type II (TYRSN2). Also called: KERATOSIS PALMOPLANTARIS WITH CORNEAL DYSTROPHY; OREGON TYPE TYROSINEMIA; TAT DEFICIENCY; TYROSINE AMINOTRANSFERASE DEFICIENCY; TYROSINE TRANSAMINASE DEFICIENCY. Identifiers: Orphanet 28378, MedGen C0268487, MONDO:0010160, OMIM 276600.

Allele frequency attached by ClinVar (database versions not stated): gnomAD exomes below 0.00001.
gnomAD v4.1: 2 of 1,614,126 alleles (0.00012%); highest among the groups gnomAD compares: Non-Finnish European, 0.00017%; no homozygotes.

Submissions (4):

Fulgent Genetics
Classification: Likely pathogenic for Tyrosinemia type II. Last evaluated: 2024-01-04. Review status: criteria provided, single submitter. Criteria: ACMG Guidelines, 2015. Collection method: clinical testing. Allele origin: germline.

Labcorp Genetics (formerly Invitae), Labcorp
Classification: Pathogenic for Tyrosinemia type II. Last evaluated: 2023-12-21. Review status: criteria provided, single submitter. Criteria: Invitae Variant Classification Sherloc (09022015). Collection method: clinical testing. Allele origin: germline.
Comment: This sequence change affects an acceptor splice site in intron 6 of the TAT gene. It is expected to disrupt RNA splicing. Variants that disrupt the donor or acceptor splice site typically lead to a loss of protein function (PMID: 16199547), and loss-of-function variants in TAT are known to be pathogenic (PMID: 9544843). This variant is not present in population databases (gnomAD no frequency). Disruption of this splice site has been observed in individual(s) with tyrosinemia (PMID: 35137651). ClinVar contains an entry for this variant (Variation ID: 1474620). Algorithms developed to predict the effect of sequence changes on RNA splicing suggest that this variant may disrupt the consensus splice site. For these reasons, this variant has been classified as Pathogenic.

Baylor Genetics
Classification: Likely pathogenic for Tyrosinemia type II. Last evaluated: 2023-09-25. Review status: criteria provided, single submitter. Criteria: ACMG Guidelines, 2015. Collection method: clinical testing. Allele origin: unknown.

Mendelics
Classification: Likely pathogenic for Tyrosinemia type II. Last evaluated: 2022-05-04. Review status: criteria provided, single submitter. Criteria: Mendelics Assertion Criteria 2019. Collection method: clinical testing. Allele origin: germline.

Literature cited by the submitters: PubMed 16199547 (cited by Labcorp Genetics (formerly Invitae), Labcorp); PubMed 9544843 (cited by Labcorp Genetics (formerly Invitae), Labcorp); PubMed 35137651 (cited by Labcorp Genetics (formerly Invitae), Labcorp).